The following is an entry in ClinVar:

ClinVar aggregate classification (germline): Uncertain significance. Review status: criteria provided, multiple submitters, no conflicts (2 of 4 stars). 2 submissions from 2 submitters: Uncertain significance (2). Last evaluated 2025-08-23.

Conditions:
Inborn genetic diseases. Identifiers: MedGen C0950123, MeSH D030342.

Allele frequency attached by ClinVar (database versions not stated): gnomAD 0.00001; ExAC 0.00002; gnomAD exomes 0.00002; TOPMed 0.00002.
gnomAD v4.1: 26 of 1,611,112 alleles (0.0016%); highest among the groups gnomAD compares: Non-Finnish European, 0.00034%; no homozygotes.

Submissions (2):

Ambry Genetics
Classification: Uncertain significance for Inborn genetic diseases. Last evaluated: 2025-08-23. Review status: criteria provided, single submitter. Criteria: Ambry Variant Classification Scheme 2023. Collection method: clinical testing. Allele origin: germline.

Labcorp Genetics (formerly Invitae), Labcorp
Classification: Uncertain significance. Last evaluated: 2025-08-18. Review status: criteria provided, single submitter. Criteria: Invitae Variant Classification Sherloc (09022015). Collection method: clinical testing. Allele origin: germline.
Comment: This sequence change replaces leucine, which is neutral and non-polar, with arginine, which is basic and polar, at codon 153 of the CASQ1 protein (p.Leu153Arg). This variant is present in population databases (rs750327998, gnomAD 0.06%). This variant has not been reported in the literature in individuals affected with CASQ1-related conditions. ClinVar contains an entry for this variant (Variation ID: 2894706). Invitae Evidence Modeling of protein sequence and biophysical properties (such as structural, functional, and spatial information, amino acid conservation, physicochemical variation, residue mobility, and thermodynamic stability) has been performed for this missense variant. However, the output from this modeling did not meet the statistical confidence thresholds required to predict the impact of this variant on CASQ1 protein function. In summary, the available evidence is currently insufficient to determine the role of this variant in disease. Therefore, it has been classified as a Variant of Uncertain Significance.

NM_001231.5(CASQ1):c.458T>G (p.Leu153Arg)

Gene: CASQ1 (calsequestrin 1; plus strand). Cytogenetic location: 1q23.2.
Variant type: single nucleotide variant.
Coding change: c.458T>G on transcript NM_001231.5 (MANE Select); coding-DNA position 458, T replaced by G.
Protein change: p.Leu153Arg; replaces leucine 153 with arginine.
Molecular consequence: missense variant.
Genome position (GRCh38, 1-based): chr1:160,193,840, T>G. VCF-style: chr1-160193840-T-G. GRCh37 (hg19) VCF-style: chr1-160163630-T-G.
Other names: c.458T>G (NM_001231.4); short protein forms L153R.
Identifiers: ClinVar variation 2894706 (VCV002894706.4), dbSNP rs750327998, ClinGen allele CA1196192.